The following is an entry in ClinVar:

ClinVar aggregate classification (germline): Uncertain significance. Review status: criteria provided, multiple submitters, no conflicts (2 of 4 stars). 2 submissions from 2 submitters: Uncertain significance (2). Last evaluated 2025-08-14.

Conditions:
Brachyolmia-amelogenesis imperfecta syndrome. Also called: Tooth agenesis, selective, 6; Dental anomalies and short stature; PLATYSPONDYLY WITH AMELOGENESIS IMPERFECTA. Identifiers: Orphanet 2899, MedGen C1832594, MONDO:0011018, OMIM 601216. Disease mechanism: loss of function.
Inborn genetic diseases. Identifiers: MedGen C0950123, MeSH D030342.

Allele frequency attached by ClinVar (database versions not stated): gnomAD exomes below 0.00001 and 0.00001; gnomAD 0.00001; TOPMed 0.00001.
gnomAD v4.1: 4 of 1,550,380 alleles (0.00026%); highest among the groups gnomAD compares: Non-Finnish European, 0.00035%; no homozygotes.

Submissions (2):

Ambry Genetics
Classification: Uncertain significance for Inborn genetic diseases. Last evaluated: 2025-08-14. Review status: criteria provided, single submitter. Criteria: Ambry Variant Classification Scheme 2023. Collection method: clinical testing. Allele origin: germline.

Labcorp Genetics (formerly Invitae), Labcorp
Classification: Uncertain significance for Brachyolmia-amelogenesis imperfecta syndrome. Last evaluated: 2025-07-20. Review status: criteria provided, single submitter. Criteria: Invitae Variant Classification Sherloc (09022015). Collection method: clinical testing. Allele origin: germline.
Comment: This sequence change replaces glycine, which is neutral and non-polar, with serine, which is neutral and polar, at codon 1226 of the LTBP3 protein (p.Gly1226Ser). The frequency data for this variant in the population databases is considered unreliable, as metrics indicate poor data quality at this position in the gnomAD database. This variant has not been reported in the literature in individuals affected with LTBP3-related conditions. ClinVar contains an entry for this variant (Variation ID: 1353486). An algorithm developed to predict the effect of missense changes on protein structure and function (PolyPhen-2) suggests that this variant is likely to be disruptive. In summary, the available evidence is currently insufficient to determine the role of this variant in disease. Therefore, it has been classified as a Variant of Uncertain Significance.

NM_001130144.3(LTBP3):c.3676G>A (p.Gly1226Ser)

Gene: LTBP3 (latent transforming growth factor beta binding protein 3; minus strand). Cytogenetic location: 11q13.1.
Variant type: single nucleotide variant.
Coding change: c.3676G>A on transcript NM_001130144.3 (MANE Select); coding-DNA position 3676, G replaced by A.
Protein change: p.Gly1226Ser; replaces glycine 1226 with serine.
Molecular consequence: missense variant.
Genome position (GRCh38, 1-based): chr11:65,539,412, C>T on the plus strand (G>A on the coding strand, the complement: LTBP3 is on the minus strand). VCF-style: chr11-65539412-C-T. GRCh37 (hg19) VCF-style: chr11-65306883-C-T.
Other names: c.3184G>A, p.Gly1062Ser (NM_001164266.1); c.3535G>A, p.Gly1179Ser (NM_021070.4); c.3676G>A (NM_001130144.2); short protein forms G1062S, G1226S, G1179S.
Identifiers: ClinVar variation 1353486 (VCV001353486.8), dbSNP rs1445499882, ClinGen allele CA381266339.
Genomic context (GRCh38, chr11:65,539,412, plus strand): 5'-CGAGCTGGAAGCCGCCGGGACACTCGCACACGGCGCCGCCCGGCCGCGGCACGCAGCGGC[C>T]ACTCACGCAGCGACACTCGTCTGAATCCTCCTCTGAACTGTCCTCATCTGCGTGGCCCGG-3'
Protein context (NP_001123616.1, residues 1216-1236): EDSDECRCVS[Gly1226Ser]RCVPRPGGAV